The following is an entry in ClinVar:

ClinVar aggregate classification (germline): Uncertain significance. Review status: criteria provided, multiple submitters, no conflicts (2 of 4 stars). 3 submissions from 3 submitters: Uncertain significance (3). Last evaluated 2025-05-29.

Conditions:
Inborn genetic diseases. Identifiers: MedGen C0950123, MeSH D030342.
DMXL2-related disorder. Also called: DMXL2-related condition.

Allele frequency attached by ClinVar (database versions not stated): gnomAD exomes 0.00001; ExAC 0.00003; ESP Exome Variant Server 0.00008; gnomAD 0.00010; TOPMed 0.00010; 1000 Genomes Project 30x 0.00031.
gnomAD v4.1: 24 of 1,608,432 alleles (0.0015%); highest among the groups gnomAD compares: African/African-American, 0.019%; no homozygotes.

Submissions (3):

PreventionGenetics, part of Exact Sciences
Classification: Uncertain significance for DMXL2-related condition. Last evaluated: 2025-05-29. Review status: criteria provided, single submitter. Criteria: ACMG Guidelines, 2015. Collection method: clinical testing. Allele origin: germline.
Comment: The DMXL2 c.409C>A variant is predicted to result in the amino acid substitution p.Pro137Thr. To our knowledge, this variant has not been reported in the literature. This variant is reported in 0.016% of alleles in individuals of African descent in gnomAD. At this time, the clinical significance of this variant is uncertain due to the absence of conclusive functional and genetic evidence.

Ambry Genetics
Classification: Uncertain significance for Inborn genetic diseases. Last evaluated: 2024-11-14. Review status: criteria provided, single submitter. Criteria: Ambry Variant Classification Scheme 2023. Collection method: clinical testing. Allele origin: germline.

Labcorp Genetics (formerly Invitae), Labcorp
Classification: Uncertain significance. Last evaluated: 2022-09-01. Review status: criteria provided, single submitter. Criteria: Invitae Variant Classification Sherloc (09022015). Collection method: clinical testing. Allele origin: germline.
Comment: This sequence change replaces proline, which is neutral and non-polar, with threonine, which is neutral and polar, at codon 137 of the DMXL2 protein (p.Pro137Thr). This variant is present in population databases (rs377346680, gnomAD 0.02%). This variant has not been reported in the literature in individuals affected with DMXL2-related conditions. Algorithms developed to predict the effect of missense changes on protein structure and function are either unavailable or do not agree on the potential impact of this missense change (SIFT: "Tolerated"; PolyPhen-2: "Probably Damaging"; Align-GVGD: "Class C0"). In summary, the available evidence is currently insufficient to determine the role of this variant in disease. Therefore, it has been classified as a Variant of Uncertain Significance.

NM_001378457.1(DMXL2):c.409C>A (p.Pro137Thr)

Gene: DMXL2 (Dmx like 2; minus strand). Cytogenetic location: 15q21.2.
Variant type: single nucleotide variant.
Coding change: c.409C>A on transcript NM_001378457.1 (MANE Select); coding-DNA position 409, C replaced by A.
Protein change: p.Pro137Thr; replaces proline 137 with threonine.
Molecular consequence: missense variant. On other transcripts: non-coding transcript variant (2).
Genome position (GRCh38, 1-based): chr15:51,564,216, G>T on the plus strand (C>A on the coding strand, the complement: DMXL2 is on the minus strand). VCF-style: chr15-51564216-G-T. GRCh37 (hg19) VCF-style: chr15-51856413-G-T.
Other names: c.409C>A, p.Pro137Thr (NM_001174116.3, NM_001174117.3, NM_001378458.1 and 7 more transcripts); c.409C>A (NM_001174116.1); short protein forms P137T.
Identifiers: ClinVar variation 2190835 (VCV002190835.4), dbSNP rs377346680, ClinGen allele CA7562840.